The following is an entry in ClinVar:

NM_001079843.3(CASZ1):c.2097C>T (p.Ser699=)

Gene: CASZ1 (castor zinc finger 1; minus strand). Cytogenetic location: 1p36.22.
Variant type: single nucleotide variant.
Coding change: c.2097C>T on transcript NM_001079843.3 (MANE Select); coding-DNA position 2097, C replaced by T.
Protein change: p.Ser699=; no amino-acid change (serine 699 retained).
Molecular consequence: synonymous variant.
Genome position (GRCh38, 1-based): chr1:10,653,960, G>A on the plus strand (C>T on the coding strand, the complement: CASZ1 is on the minus strand). VCF-style: chr1-10653960-G-A. GRCh37 (hg19) VCF-style: chr1-10714017-G-A.
Other names: c.2097C>T, p.Ser699= (NM_017766.5).
Identifiers: ClinVar variation 2638208 (VCV002638208.24), dbSNP rs367963586, ClinGen allele CA584944.

ClinVar aggregate classification (germline): Likely benign (1 of 4 stars; one submission).

Allele frequency attached by ClinVar (database versions not stated): ExAC 0.00001; ESP Exome Variant Server 0.00008.

Submission:

CeGaT Center for Human Genetics Tuebingen
Classification: Likely benign. Last evaluated: 2022-03-01. Review status: criteria provided, single submitter. Criteria: CeGaT Center For Human Genetics Tuebingen Variant Classification Criteria Version 2. Collection method: clinical testing. Allele origin: germline. Affected: yes. Observed: 1 variant allele.
Comment: CASZ1: BP4, BP7